The following is an entry in ClinVar:

ClinVar aggregate classification (germline): Uncertain significance (1 of 4 stars; one submission).

Conditions:
Polycystic kidney disease, adult type (PKD1). Also called: Polycystic Kidney, Autosomal Dominant; POLYCYSTIC KIDNEY DISEASE, ADULT, TYPE I; Polycystic Kidney Disease 1, Autosomal Dominant; Polycystic kidney disease 1; Polycystic kidney disease 1, severe; POLYCYSTIC KIDNEY DISEASE 1 WITH OR WITHOUT POLYCYSTIC LIVER DISEASE. Identifiers: MedGen C3149841, MONDO:0008263, OMIM 173900.

Submission:

Dasa
Classification: Uncertain significance for Polycystic kidney disease, adult type. Last evaluated: 2025-11-08. Review status: criteria provided, single submitter. Criteria: DASA Assertion Criteria. Collection method: clinical testing. Allele origin: germline.
Comment: NM_001009944.3(PKD1):c.8791+8dup is a splice-region variant. This variant is absent from population databases. Computational prediction algorithms are consistent with a benign effect. The currently available literature and clinical evidence are not sufficient to establish a definitive association between this variant and the reported condition. Therefore, this variant is classified as a variant of uncertain significance.

NM_001009944.3(PKD1):c.8791+8dup

Gene: PKD1 (polycystin 1, transient receptor potential channel interacting; minus strand). Cytogenetic location: 16p13.3.
Variant type: Duplication.
Coding change: c.8791+8dup on transcript NM_001009944.3 (MANE Select); 8 bases into the intron after coding-DNA position 8791, one base duplicated (C; older notation c.8791+8dupC).
Molecular consequence: intron variant.
Genome position (GRCh38, 1-based): chr16:2,103,258, G duplicated on the plus strand (C on the coding strand, the reverse complement: PKD1 is on the minus strand). VCF-style (leftmost placement, unchanged base first): chr16-2103257-T-TG. GRCh37 (hg19) VCF-style: chr16-2153258-T-TG.
Other names: c.8791+8dup (NM_000296.4).
Identifiers: ClinVar variation 4883927 (VCV004883927.2).